The following is an entry in ClinVar:

NM_002691.4(POLD1):c.125_136del (p.Glu42_Glu45del)

Gene: POLD1 (DNA polymerase delta 1, catalytic subunit; plus strand). Cytogenetic location: 19q13.33.
Variant type: Deletion.
Coding change: c.125_136del on transcript NM_002691.4 (MANE Select); coding-DNA positions 125 to 136, 12 bases deleted (AGGAGATGGAGG).
Protein change: p.Glu42_Glu45del.
Molecular consequence: inframe deletion. On other transcripts: non-coding transcript variant (1).
Genome position (GRCh38, 1-based): chr19:50,398,976-50,398,987, AGGAGATGGAGG deleted; deleting any 12 consecutive bases within chr19:50,398,974-50,398,987 gives the same sequence; the c. name uses the placement nearest the transcript's 3' end. VCF-style (leftmost placement, unchanged base first): chr19-50398973-TGGAGGAGATGGA-T. GRCh37 (hg19) VCF-style: chr19-50902230-TGGAGGAGATGGA-T.
Other names: c.125_136del, p.Glu42_Glu45del (NM_001256849.1, NM_001308632.1).
Identifiers: ClinVar variation 439249 (VCV000439249.17), dbSNP rs1300269779, ClinGen allele CA645509313.
Genomic context (GRCh38, chr19:50,398,973, plus strand): 5'-GCCTCTGGGATGATGATGATGCACCTCGGCCATCCCAATTCGAGGAGGACCTGGCACTGA[TGGAGGAGATGGA>T]GGCAGAACACAGGCTGCAGGAGCAGGAGGAGGAGGAGCTGCAGTCAGTCCTGGAGGGGGT-3'

ClinVar aggregate classification (germline): Uncertain significance. Review status: criteria provided, multiple submitters, no conflicts (2 of 4 stars). 4 submissions from 4 submitters: Uncertain significance (3). 1 of the submissions does not count toward it. Last evaluated 2025-08-06.

Conditions:
Hereditary cancer-predisposing syndrome. Also called: Neoplastic Syndromes, Hereditary; Hereditary neoplastic syndrome; Tumor predisposition; Hereditary Cancer Syndrome. Identifiers: Orphanet 140162, MedGen C0027672, MeSH D009386, MONDO:0015356.
POLD1-related polyposis and colorectal cancer syndrome (CRCS10). Also called: Colorectal cancer 10; COLORECTAL CANCER, SUSCEPTIBILITY TO, ON CHROMOSOME 19q; Colorectal cancer, susceptibility to, 10. Identifiers: Orphanet 220460, MedGen C2675481, MONDO:0012953, OMIM 612591.

Submissions (4):

Labcorp Genetics (formerly Invitae), Labcorp
Classification: Uncertain significance for POLD1-related polyposis and colorectal cancer syndrome. Last evaluated: 2025-08-06. Review status: criteria provided, single submitter. Criteria: Invitae Variant Classification Sherloc (09022015). Collection method: clinical testing. Allele origin: germline.
Comment: This variant, c.125_136del, results in the deletion of 4 amino acid(s) of the POLD1 protein (p.Glu42_Glu45del), but otherwise preserves the integrity of the reading frame. This variant is not present in population databases (gnomAD no frequency). This variant has not been reported in the literature in individuals affected with POLD1-related conditions. ClinVar contains an entry for this variant (Variation ID: 439249). Experimental studies and prediction algorithms are not available or were not evaluated, and the functional significance of this variant is currently unknown. In summary, the available evidence is currently insufficient to determine the role of this variant in disease. Therefore, it has been classified as a Variant of Uncertain Significance.

Ambry Genetics
Classification: Uncertain significance for Hereditary cancer-predisposing syndrome. Last evaluated: 2024-12-09. Review status: criteria provided, single submitter. Criteria: Ambry Variant Classification Scheme 2023. Collection method: clinical testing. Allele origin: germline.
Comment: The c.125_136del12 variant (also known as p.E42_E45del) is located in coding exon 1 of the POLD1 gene. This variant results from an in-frame deletion of 12 nucleotides (AGGAGATGGAGG) at positions 125 to 136. This results in the in-frame deletion of 4 amino acids (EEME) at codons 42 to 45. These amino acid positions are well conserved in available vertebrate species. In addition, the in silico prediction for this alteration is inconclusive (Choi Y et al. PLoS ONE. 2012; 7(10):e46688). Based on the available evidence, the clinical significance of this variant remains unclear.

Quest Diagnostics Nichols Institute San Juan Capistrano
Classification: Uncertain significance. Last evaluated: 2016-12-21. Review status: criteria provided, single submitter. Criteria: Quest Diagnostics criteria. Collection method: clinical testing. Allele origin: germline.

Counsyl
Classification: Uncertain significance for POLD1-related polyposis and colorectal cancer syndrome. Last evaluated: 2017-11-08. Review status: no assertion criteria provided. Collection method: clinical testing. Allele origin: unknown. Not counted in ClinVar's aggregate classification.